The following is an entry in ClinVar:

ClinVar aggregate classification (germline): Likely pathogenic (0 of 4 stars; one submission).

Conditions:
KRIT1-related disorder. Also called: KRIT1-related condition; KRIT1-related disorders.

Submission:

PreventionGenetics, part of Exact Sciences
Classification: Likely pathogenic for KRIT1-related condition. Last evaluated: 2024-04-25. Review status: no assertion criteria provided. Collection method: clinical testing. Allele origin: germline.
Comment: The KRIT1 c.1320delT variant is predicted to result in a frameshift and premature protein termination (p.Asn440Lysfs*8). To our knowledge, this variant has not been reported in the literature or in a large population database, indicating this variant is rare. Frameshift variants in KRIT1 are expected to be pathogenic. This variant is interpreted as likely pathogenic.

NM_194454.3(KRIT1):c.1320del (p.Asn440fs)

Gene: KRIT1 (KRIT1 ankyrin repeat containing; minus strand). Cytogenetic location: 7q21.2.
Variant type: Deletion.
Coding change: c.1320del on transcript NM_194454.3 (MANE Select); coding-DNA position 1320, one base deleted (T; older notation c.1320delT).
Protein change: p.Asn440fs; shifts the reading frame from asparagine 440.
Molecular consequence: frameshift variant.
Genome position (GRCh38, 1-based): chr7:92,222,913, A deleted on the plus strand (T on the coding strand, the reverse complement: KRIT1 is on the minus strand). VCF-style (leftmost placement, unchanged base first): chr7-92222912-TA-T. GRCh37 (hg19) VCF-style: chr7-91852226-TA-T.
Other names: c.1176del, p.Asn392fs (NM_001013406.2, NM_001350669.1, NM_001350670.1); c.606del, p.Asn202fs (NM_001350671.1); c.1320del, p.Asn440fs (NM_001350672.1, NM_001350673.1, NM_001350674.1 and 26 more transcripts); c.1320delT (NM_194456.1); short protein forms N202fs, N392fs, N440fs.
Identifiers: ClinVar variation 3346877 (VCV003346877.1).
Genomic context (GRCh38, chr7:92,222,912, plus strand): 5'-AATATTGCTGAGTTTCTTGAGAGAGACGCATTCCTTCCATTATCTGCTGCACTGTGGTAT[TA>T]TTTCCATGCTTCAATTCAACAGAACGATATGACCCATCCATTCTGTATATTCGAACTTTT-3'